The following is an entry in ClinVar:

ClinVar aggregate classification (germline): Uncertain significance (1 of 4 stars; one submission).

Conditions:
Hereditary cancer-predisposing syndrome. Also called: Neoplastic Syndromes, Hereditary; Tumor predisposition; Hereditary neoplastic syndrome; Hereditary Cancer Syndrome. Identifiers: Orphanet 140162, MedGen C0027672, MeSH D009386, MONDO:0015356.

gnomAD v4.1: 1 of 1,614,014 alleles (0.000062%); highest among the groups gnomAD compares: South Asian, 0.0011%; no homozygotes.

Submission:

Ambry Genetics
Classification: Uncertain significance for Hereditary cancer-predisposing syndrome. Last evaluated: 2026-08-26. Review status: criteria provided, single submitter. Criteria: Ambry Variant Classification Scheme 2023. Collection method: clinical testing. Allele origin: germline.
Comment: The p.D262G variant (also known as c.785A>G), located in coding exon 7 of the SUFU gene, results from an A to G substitution at nucleotide position 785. The aspartic acid at codon 262 is replaced by glycine, an amino acid with similar properties. This amino acid position is conserved. In addition, the in silico prediction for this alteration is inconclusive. Based on the available evidence, the clinical significance of this variant remains unclear.

NM_016169.4(SUFU):c.785A>G (p.Asp262Gly)

Gene: SUFU (SUFU negative regulator of hedgehog signaling; plus strand). Cytogenetic location: 10q24.32.
Variant type: single nucleotide variant.
Coding change: c.785A>G on transcript NM_016169.4 (MANE Select); coding-DNA position 785, A replaced by G.
Protein change: p.Asp262Gly; replaces aspartic acid 262 with glycine.
Molecular consequence: missense variant.
Genome position (GRCh38, 1-based): chr10:102,597,168, A>G. VCF-style: chr10-102597168-A-G. GRCh37 (hg19) VCF-style: chr10-104356925-A-G.
Other names: c.785A>G, p.Asp262Gly (NM_001178133.2); short protein forms D262G.
Identifiers: ClinVar variation 5030347 (VCV005030347.1).